The following is an entry in ClinVar:

ClinVar aggregate classification (germline): Pathogenic (1 of 4 stars; one submission).

Conditions:
Breast-ovarian cancer, familial, susceptibility to, 1 (BROVCA1). Also called: BRCA1 Hereditary Breast and Ovarian Cancer; OVARIAN CANCER, SUSCEPTIBILITY TO. Identifiers: Orphanet 145, MedGen C2676676, MONDO:0011450, OMIM 604370. Disease mechanism: loss of function.

Submissions (2):

Consortium of Investigators of Modifiers of BRCA1/2 (CIMBA), c/o University of Cambridge
Classification: Pathogenic for Breast-ovarian cancer, familial, susceptibility to, 1. Last evaluated: 2015-10-02. Review status: criteria provided, single submitter. Criteria: CIMBA Mutation Classification guidelines May 2016. Collection method: clinical testing. Allele origin: germline.

Brotman Baty Institute, University of Washington
No classification provided (evidence only). Condition: Breast-ovarian cancer, familial 1. Review status: no classification provided. Collection method: in vitro. Allele origin: not applicable. Functional consequence: functionally_abnormal. Not counted in ClinVar's aggregate classification.
ClinVar note: "not provided" was previously submitted as the classification for the variant. However, the classification appeared to be based only on an observation of functional data so it was converted to no classification on 2025-07-30.

NM_007294.4(BRCA1):c.5152+2T>A

Gene: BRCA1 (BRCA1 DNA repair associated; minus strand). Cytogenetic location: 17q21.31.
Variant type: single nucleotide variant.
Coding change: c.5152+2T>A on transcript NM_007294.4 (MANE Select); the canonical splice donor site of the intron after coding-DNA position 5152, T replaced by A.
Molecular consequence: splice donor variant. On other transcripts: intron variant (2).
Genome position (GRCh38, 1-based): chr17:43,063,872, A>T on the plus strand (T>A on the coding strand, the complement: BRCA1 is on the minus strand). VCF-style: chr17-43063872-A-T. GRCh37 (hg19) VCF-style: chr17-41215889-A-T.
Other names: c.4939+2T>A (NM_001407907.1, NM_001407895.1, NM_001407910.1 and 12 more transcripts); c.4942+2T>A (NM_001407879.1, NM_001407884.1, NM_001407882.1 and 5 more transcripts); c.1714+2T>A (NM_001408450.1, NM_001408445.1, NM_001408447.1 and 2 more transcripts); c.1717+2T>A (NM_001408434.1, NM_001408440.1, NM_001408432.1 and 10 more transcripts); c.5026+2T>A (NM_001407672.1, NM_001407678.1, NM_001407670.1 and 10 more transcripts); c.1837+2T>A (NM_001408398.1, NM_001408402.1, NM_001408473.1 and 8 more transcripts); c.1840+2T>A (NM_001407992.1, NM_001407981.1, NM_007298.4 and 12 more transcripts); c.5146+2T>A (NM_001407629.1, NM_001407636.1, NM_001407639.1 and 14 more transcripts); and 73 more.
Identifiers: ClinVar variation 267577 (VCV000267577.6), dbSNP rs886040914, ClinGen allele CA10591240.